The following is an entry in ClinVar:

ClinVar aggregate classification (germline): Uncertain significance. Review status: criteria provided, multiple submitters, no conflicts (2 of 4 stars). 2 submissions from 2 submitters: Uncertain significance (2). Last evaluated 2026-04-14.

Conditions:
Familial intrahepatic cholestasis. Identifiers: Orphanet 284385, MedGen CN296401, MONDO:0017290.
Progressive familial intrahepatic cholestasis type 2. Identifiers: Orphanet 79304, MedGen C3489789, MONDO:0011156, OMIM 601847.

gnomAD v4.1: 1 of 1,613,278 alleles (0.000062%); highest among the groups gnomAD compares: Non-Finnish European, 0.000085%; no homozygotes.

Submissions (2):

Genomenon, Inc
Classification: Uncertain significance for Familial intrahepatic cholestasis. Last evaluated: 2026-04-14. Review status: criteria provided, single submitter. Criteria: Genomenon Sequence Variant Interpretation Standards - Updated. Collection method: curation. Allele origin: germline. Affected: yes.
Comment: ABCB11 p.Gly323Arg (c.967G>A) is a missense variant that changes the amino acid at residue 323 from Glycine to Arginine. This variant has been observed in at least one individual with transient neonatal cholestasis (PMID:32808743). It is absent or not present at a significant frequency in gnomAD. In silico models predict that this variant is possibly or probably damaging. In conclusion, we classify ABCB11 p.Gly323Arg (c.967G>A) as a variant of uncertain significance.

Broad Center for Mendelian Genomics, Broad Institute of MIT and Harvard
Classification: Uncertain significance for Progressive familial intrahepatic cholestasis type 2. Last evaluated: 2025-01-29. Review status: criteria provided, single submitter. Criteria: ACMG Guidelines, 2015. Collection method: curation. Allele origin: germline. Inheritance: Autosomal recessive inheritance.
Comment: The p.Gly323Arg variant in ABCB11 has been reported in 1 individual with BSEP deficiency (PMID: 32808743), and has been identified in 0.00008% (1/1179578) of European (non-Finnish) chromosomes by the Genome Aggregation Database (gnomAD). Although this variant has been seen in the general population in a heterozygous state, its frequency is low enough to be consistent with a recessive carrier frequency. Computational prediction tools and conservation analyses suggest that this variant may impact the protein, though this information is not predictive enough to determine pathogenicity. In summary, the clinical significance of the p.Gly323Arg variant is uncertain. ACMG/AMP Criteria applied: PP3_moderate, PM2_supporting (Richards 2015).

Literature cited by the submitters: PubMed 32808743 (cited by Genomenon, Inc).

NM_003742.4(ABCB11):c.967G>A (p.Gly323Arg)

Gene: ABCB11 (ATP binding cassette subfamily B member 11; minus strand). Cytogenetic location: 2q31.1.
Variant type: single nucleotide variant.
Coding change: c.967G>A on transcript NM_003742.4 (MANE Select); coding-DNA position 967, G replaced by A.
Protein change: p.Gly323Arg; replaces glycine 323 with arginine.
Molecular consequence: missense variant.
Genome position (GRCh38, 1-based): chr2:168,986,226, C>T on the plus strand (G>A on the coding strand, the complement: ABCB11 is on the minus strand). VCF-style: chr2-168986226-C-T. GRCh37 (hg19) VCF-style: chr2-169842736-C-T.
Other names: NM_003742.4:c.967G>A; short protein forms G323R.
Identifiers: ClinVar variation 3776872 (VCV003776872.2).